The following is an entry in ClinVar:

ClinVar aggregate classification (germline): Likely pathogenic. Review status: reviewed by expert panel (3 of 4 stars). 3 submissions from 3 submitters: Likely pathogenic (1). 2 of the submissions do not count toward it. Last evaluated 2025-06-09.

Conditions:
Charcot-Marie-Tooth disease dominant intermediate B (CMTDIB). Also called: Charcot-Marie-Tooth disease dominant intermediate 1; CMT DI1; Charcot-Marie-Tooth disease dominant intermediate I; CHARCOT-MARIE-TOOTH NEUROPATHY, DOMINANT INTERMEDIATE B. Identifiers: Orphanet 100044, Orphanet 228179, MedGen C1847902, MONDO:0011674, OMIM 606482.
Centronuclear myopathy (CNM). Also called: Myotubular myopathy; Centronuclear myopathy, congenital. Identifiers: Orphanet 595, MedGen C0175709, MONDO:0018947. Inheritance: All.

Submissions (3):

ClinGen Congenital Myopathies Variant Curation Expert Panel, ClinGen
Classification: Likely pathogenic for Centronuclear myopathy. Last evaluated: 2025-06-09. Review status: reviewed by expert panel. Criteria: ClinGen CongenMyopathy ACMG Specifications DNM2 V1.0.0. Collection method: curation. Allele origin: germline. Inheritance: Autosomal dominant inheritance.
Comment: The NM_001005361.3:c.1567A>G variant in DNM2 is a missense variant predicted to cause substitution of arginine by glycine at amino acid 523 (p.Arg523Gly). The variant is absent from gnomAD v4.1.0 meeting PM2_Supporting. DNM2, in which the variant was identified, is defined by the ClinGen Congenital Myopathies VCEP as a gene that has a low rate of benign missense variation and where pathogenic missense variants are a common mechanism of disease. The Z-score in gnomAD v4.1.0 is 4.87 (PP2). The REVEL computational prediction analysis tool gives a score of 0.713, which is above the threshold necessary to apply PP3. This variant has been reported in at least three probands with centronuclear myopathy (PS4; PMIDs: 22396310, 25501959; Genetic Services Laboratory, University of Chicago, ClinVar: SCV000193041.1). In summary, the variant meets the criteria to be classified as likely pathogenic for autosomal dominant centronuclear myopathy. ACMG/AMP criteria met, as specified by the ClinGen Congenital Myopathies VCEP: PS4, PM2_Supporting, PP2, PP3 (ClinGen Congenital Myopathies VCEP specifications version 1.0.0; 6/9/2025).

Genetic Services Laboratory, University of Chicago
Classification: Likely pathogenic. Last evaluated: 2013-02-08. Review status: criteria provided, single submitter. Criteria: ACMG Guidelines, 2007. Collection method: clinical testing. Allele origin: germline. Inheritance: Autosomal dominant inheritance. Affected: yes. Not counted in ClinVar's aggregate classification.

Inherited Neuropathy Consortium Ii, University Of Miami
Classification: Uncertain significance for Charcot-Marie-Tooth disease dominant intermediate B. Last evaluated: 2016-01-06. Review status: no assertion criteria provided. Collection method: literature only. Allele origin: germline. Affected: yes. Not counted in ClinVar's aggregate classification.

Literature cited by the submitters: PubMed 22396310 (cited by Inherited Neuropathy Consortium Ii, University Of Miami).

NM_001005361.3(DNM2):c.1567A>G (p.Arg523Gly)

Gene: DNM2 (dynamin 2; plus strand). Cytogenetic location: 19p13.2.
Variant type: single nucleotide variant.
Coding change: c.1567A>G on transcript NM_001005361.3 (MANE Select); coding-DNA position 1567, A replaced by G.
Protein change: p.Arg523Gly; replaces arginine 523 with glycine.
Molecular consequence: missense variant.
Genome position (GRCh38, 1-based): chr19:10,812,273, A>G. VCF-style: chr19-10812273-A-G. GRCh37 (hg19) VCF-style: chr19-10922949-A-G.
Other names: NM_001005361.3(DNM2):c.1567A>G; c.1567A>G, p.Arg523Gly (NM_001005360.3, NM_001190716.2); c.1555A>G, p.Arg519Gly (NM_001005362.3, NM_004945.4); short protein forms R523G, R519G.
Identifiers: ClinVar variation 158515 (VCV000158515.8), dbSNP rs587783596, ClinGen allele CA233294.